The following is an entry in ClinVar:

NM_001447.3(FAT2):c.3215G>A (p.Arg1072His)

Gene: FAT2 (FAT atypical cadherin 2; minus strand). Cytogenetic location: 5q33.1.
Variant type: single nucleotide variant.
Coding change: c.3215G>A on transcript NM_001447.3 (MANE Select); coding-DNA position 3215, G replaced by A.
Protein change: p.Arg1072His; replaces arginine 1072 with histidine.
Molecular consequence: missense variant.
Genome position (GRCh38, 1-based): chr5:151,565,717, C>T on the plus strand (G>A on the coding strand, the complement: FAT2 is on the minus strand). VCF-style: chr5-151565717-C-T. GRCh37 (hg19) VCF-style: chr5-150945278-C-T.
Other names: short protein forms R1072H.
Identifiers: ClinVar variation 2307631 (VCV002307631.5), dbSNP rs139586444, ClinGen allele CA3521896.

ClinVar aggregate classification (germline): Uncertain significance. Review status: criteria provided, multiple submitters, no conflicts (2 of 4 stars). 2 submissions from 2 submitters: Uncertain significance (2). Last evaluated 2025-08-06.

Allele frequency attached by ClinVar (database versions not stated): gnomAD 0.00007; TOPMed 0.00007; ESP Exome Variant Server 0.00008.
gnomAD v4.1: 84 of 1,608,924 alleles (0.0052%); highest among the groups gnomAD compares: Admixed American, 0.013%; no homozygotes.

Submissions (2):

Labcorp Genetics (formerly Invitae), Labcorp
Classification: Uncertain significance. Last evaluated: 2025-08-06. Review status: criteria provided, single submitter. Criteria: Invitae Variant Classification Sherloc (09022015). Collection method: clinical testing. Allele origin: germline.
Comment: This sequence change replaces arginine, which is basic and polar, with histidine, which is basic and polar, at codon 1072 of the FAT2 protein (p.Arg1072His). This variant is present in population databases (rs139586444, gnomAD 0.02%). This variant has not been reported in the literature in individuals affected with FAT2-related conditions. ClinVar contains an entry for this variant (Variation ID: 2307631). Invitae Evidence Modeling of protein sequence and biophysical properties (such as structural, functional, and spatial information, amino acid conservation, physicochemical variation, residue mobility, and thermodynamic stability) indicates that this missense variant is not expected to disrupt FAT2 protein function with a negative predictive value of 80%. In summary, the available evidence is currently insufficient to determine the role of this variant in disease. Therefore, it has been classified as a Variant of Uncertain Significance.

Ambry Genetics
Classification: Uncertain significance. Last evaluated: 2022-08-17. Review status: criteria provided, single submitter. Criteria: Ambry Variant Classification Scheme 2023. Collection method: clinical testing. Allele origin: germline.